The following is an entry in ClinVar:

ClinVar aggregate classification (germline): Uncertain significance. Review status: criteria provided, multiple submitters, no conflicts (2 of 4 stars). 2 submissions from 2 submitters: Uncertain significance (2). Last evaluated 2020-10-19.

Conditions:
Brugada syndrome 8 (BRGDA8). Identifiers: Orphanet 130, MedGen C2751083, MONDO:0013148, OMIM 613123.

Allele frequency attached by ClinVar (database versions not stated): TOPMed below 0.00001.

Submissions (2):

Labcorp Genetics (formerly Invitae), Labcorp
Classification: Uncertain significance for Brugada syndrome 8. Last evaluated: 2020-10-19. Review status: criteria provided, single submitter. Criteria: Invitae Variant Classification Sherloc (09022015). Collection method: clinical testing. Allele origin: germline.
Comment: In summary, the available evidence is currently insufficient to determine the role of this variant in disease. Therefore, it has been classified as a Variant of Uncertain Significance. Algorithms developed to predict the effect of missense changes on protein structure and function are either unavailable or do not agree on the potential impact of this missense change (SIFT: "Deleterious"; PolyPhen-2: "Not Available"; Align-GVGD: "Class C65"). This variant has not been reported in the literature in individuals with HCN4-related conditions. This variant is not present in population databases (ExAC no frequency). This sequence change replaces methionine with threonine at codon 473 of the HCN4 protein (p.Met473Thr). The methionine residue is highly conserved and there is a moderate physicochemical difference between methionine and threonine.

GeneDx
Classification: Uncertain significance. Last evaluated: 2019-08-05. Review status: criteria provided, single submitter. Criteria: GeneDx Variant Classification Process June 2021. Collection method: clinical testing. Allele origin: germline. Affected: yes.
Comment: Has not been previously published as pathogenic or benign to our knowledge; Not observed in large population cohorts (Lek et al., 2016); In silico analysis, which includes protein predictors and evolutionary conservation, supports a deleterious effect

NM_005477.3(HCN4):c.1418T>C (p.Met473Thr)

Gene: HCN4 (hyperpolarization activated cyclic nucleotide gated potassium channel 4; minus strand). Cytogenetic location: 15q24.1.
Variant type: single nucleotide variant.
Coding change: c.1418T>C on transcript NM_005477.3 (MANE Select); coding-DNA position 1418, T replaced by C.
Protein change: p.Met473Thr; replaces methionine 473 with threonine.
Molecular consequence: missense variant.
Genome position (GRCh38, 1-based): chr15:73,329,745, A>G on the plus strand (T>C on the coding strand, the complement: HCN4 is on the minus strand). VCF-style: chr15-73329745-A-G. GRCh37 (hg19) VCF-style: chr15-73622086-A-G.
Other names: short protein forms M473T.
Identifiers: ClinVar variation 1043438 (VCV001043438.10), dbSNP rs1226036490, ClinGen allele CA393094029.